The following is an entry in ClinVar:

NM_212550.5(BLOC1S3):c.190G>A (p.Asp64Asn)

Gene: BLOC1S3 (biogenesis of lysosomal organelles complex 1 subunit 3; plus strand). Cytogenetic location: 19q13.32.
Variant type: single nucleotide variant.
Coding change: c.190G>A on transcript NM_212550.5 (MANE Select); coding-DNA position 190, G replaced by A.
Protein change: p.Asp64Asn; replaces aspartic acid 64 with asparagine.
Molecular consequence: missense variant.
Genome position (GRCh38, 1-based): chr19:45,179,486, G>A. VCF-style: chr19-45179486-G-A. GRCh37 (hg19) VCF-style: chr19-45682744-G-A.
Other names: short protein forms D64N.
Identifiers: ClinVar variation 4687532 (VCV004687532.1).

ClinVar aggregate classification (germline): Uncertain significance (1 of 4 stars; one submission).

Submission:

Women's Health and Genetics/Laboratory Corporation of America, LabCorp
Classification: Uncertain significance. Last evaluated: 2025-10-07. Review status: criteria provided, single submitter. Criteria: LabCorp Variant Classification Summary - May 2015. Collection method: clinical testing. Allele origin: germline.
Comment: Variant summary: BLOC1S3 c.190G>A (p.Asp64Asn) results in a conservative amino acid change in the encoded protein sequence. Algorithms developed to predict the effect of missense changes on protein structure and function are either unavailable or do not agree on the potential impact of this missense change. The frequency data for this variant in gnomAD is considered unreliable, as metrics indicate poor data quality at this position. To our knowledge, no occurrence of c.190G>A in individuals affected with BLOC1S3-related conditions and no experimental evidence demonstrating its impact on protein function have been reported. No submitters have cited clinical-significance assessments for this variant to ClinVar. Based on the evidence outlined above, the variant was classified as uncertain significance.